The following is an entry in ClinVar:

ClinVar aggregate classification (germline): Uncertain significance (1 of 4 stars; one submission).

Conditions:
Cardiovascular phenotype. Identifiers: MedGen CN230736.
Hereditary cancer-predisposing syndrome. Also called: Tumor predisposition; Neoplastic Syndromes, Hereditary; Hereditary neoplastic syndrome; Hereditary Cancer Syndrome. Identifiers: Orphanet 140162, MedGen C0027672, MeSH D009386, MONDO:0015356.

Submission:

Ambry Genetics
Classification: Uncertain significance for Cardiovascular phenotype; Hereditary cancer-predisposing syndrome. Last evaluated: 2025-07-03. Review status: criteria provided, single submitter. Criteria: Ambry Variant Classification Scheme 2023. Collection method: clinical testing. Allele origin: germline.
Comment: The c.216_218delAGT variant (also known as p.V74del) is located in coding exon 2 of the LZTR1 gene. This variant results from an in-frame AGT deletion at nucleotide positions 216 to 218. This results in the in-frame deletion of a valine at codon 74. This amino acid position is highly conserved in available vertebrate species. In addition, this variant is predicted to be deleterious by in silico analysis (Choi Y et al. PLoS ONE. 2012; 7(10):e46688). Based on the available evidence, the clinical significance of this variant remains unclear.

NM_006767.4(LZTR1):c.216_218del (p.Val74del)

Gene: LZTR1 (leucine zipper like post translational regulator 1; plus strand). Cytogenetic location: 22q11.21.
Variant type: Deletion.
Coding change: c.216_218del on transcript NM_006767.4 (MANE Select); coding-DNA positions 216 to 218, 3 bases deleted (AGT; older notation c.216_218delAGT).
Protein change: p.Val74del; deletes valine 74.
Genome position (GRCh38, 1-based): chr22:20,983,042-20,983,044, AGT deleted. VCF-style (leftmost placement, unchanged base first): chr22-20983041-CAGT-C. GRCh37 (hg19) VCF-style: chr22-21337330-CAGT-C.
Other names: short protein forms V74del.
Identifiers: ClinVar variation 4101844 (VCV004101844.1).
Genomic context (GRCh38, chr22:20,983,041, plus strand): 5'-CCCAGGAGGGTCCTGTCCTTACCGCCCTCCACTCCTTTCTTTCCAGGCGCAGCAAGCACA[CAGT>C]GGTGGCCTATAAAGATGCCATTTATGTATTTGGTGGAGACAATGGGTGAGTGAGTCTCAG-3'